The following is an entry in ClinVar:

ClinVar aggregate classification (germline): Uncertain significance (1 of 4 stars; one submission).

Conditions:
Emery-Dreifuss muscular dystrophy 5, autosomal dominant (EDMD5). Also called: EMERY-DREIFUSS MUSCULAR DYSTROPHY 5. Identifiers: Orphanet 261, MedGen C2751805, MONDO:0013072, OMIM 612999.

Allele frequency attached by ClinVar (database versions not stated): ExAC 0.00001; gnomAD 0.00001.
gnomAD v4.1: 8 of 1,613,642 alleles (0.0005%); highest among the groups gnomAD compares: African/African-American, 0.0027%; no homozygotes.

Submission:

Labcorp Genetics (formerly Invitae), Labcorp
Classification: Uncertain significance for Emery-Dreifuss muscular dystrophy 5, autosomal dominant. Last evaluated: 2023-09-06. Review status: criteria provided, single submitter. Criteria: Invitae Variant Classification Sherloc (09022015). Collection method: clinical testing. Allele origin: germline.
Comment: In summary, the available evidence is currently insufficient to determine the role of this variant in disease. Therefore, it has been classified as a Variant of Uncertain Significance. Algorithms developed to predict the effect of sequence changes on RNA splicing suggest that this variant may disrupt the consensus splice site. Algorithms developed to predict the effect of missense changes on protein structure and function output the following: SIFT: "Not Available"; PolyPhen-2: "Benign"; Align-GVGD: "Not Available". The cysteine amino acid residue is found in multiple mammalian species, which suggests that this missense change does not adversely affect protein function. This variant has not been reported in the literature in individuals affected with SYNE2-related conditions. This variant is present in population databases (rs761087743, gnomAD 0.007%). This sequence change replaces arginine, which is basic and polar, with cysteine, which is neutral and slightly polar, at codon 596 of the SYNE2 protein (p.Arg596Cys).

NM_182914.3(SYNE2):c.1786C>T (p.Arg596Cys)

Gene: SYNE2 (spectrin repeat containing nuclear envelope protein 2; plus strand). Cytogenetic location: 14q23.2.
Variant type: single nucleotide variant.
Coding change: c.1786C>T on transcript NM_182914.3 (MANE Select); coding-DNA position 1786, C replaced by T.
Protein change: p.Arg596Cys; replaces arginine 596 with cysteine.
Molecular consequence: missense variant.
Genome position (GRCh38, 1-based): chr14:63,981,123, C>T. VCF-style: chr14-63981123-C-T. GRCh37 (hg19) VCF-style: chr14-64447841-C-T.
Other names: c.1786C>T, p.Arg596Cys (NM_015180.6); short protein forms R596C.
Identifiers: ClinVar variation 2723534 (VCV002723534.3), dbSNP rs761087743, ClinGen allele CA7219518.
Genomic context (GRCh38, chr14:63,981,123, plus strand): 5'-AATGTGAAGTCCACTCTACAAAAAGTGCTGGCATGTTGGGCTACTTATGTGGAAAACCTT[C>T]GCTTACTAAGGGCTTGCTTTGAGGAGACAAAGAAGGAAGAAATTAAAGAGGTATTTGCAG-3'
Protein context (NP_878918.2, residues 586-606): ACWATYVENL[Arg596Cys]LLRACFEETK